The following is an entry in ClinVar:

NM_170753.3(PGBD3):c.456C>T (p.Asp152=)

Genes: ERCC6 (ERCC excision repair 6, chromatin remodeling factor; minus strand), PGBD3 (piggyBac transposable element derived 3; minus strand). Cytogenetic location: 10q11.23.
Variant type: single nucleotide variant.
Coding change: c.456C>T on transcript NM_170753.3; coding-DNA position 456, C replaced by T.
Protein change: p.Asp152=; no amino-acid change (aspartic acid 152 retained).
Molecular consequence: synonymous variant. On other transcripts: intron variant (2).
Genome position (GRCh38, 1-based): chr10:49,516,659, G>A on the plus strand (C>T on the coding strand, the complement: PGBD3 is on the minus strand). VCF-style: chr10-49516659-G-A. GRCh37 (hg19) VCF-style: chr10-50724705-G-A.
Other names: c.1860C>T, p.Asp620= (NM_001277058.2, NM_001277059.2); c.1397+7374C>T (NM_001346440.2, NM_000124.4).
Identifiers: ClinVar variation 3038141 (VCV003038141.2), dbSNP rs373174504, ClinGen allele CA206617327.

ClinVar aggregate classification (germline): Likely benign (0 of 4 stars; one submission).

Conditions:
PGBD3-related disorder. Also called: PGBD3-related condition.

Allele frequency attached by ClinVar (database versions not stated): gnomAD exomes 0.00001; TOPMed 0.00001.
gnomAD v4.1: 8 of 1,614,106 alleles (0.0005%); highest among the groups gnomAD compares: African/African-American, 0.0013%; no homozygotes.

Submission:

PreventionGenetics, part of Exact Sciences
Classification: Likely benign for PGBD3-related condition. Last evaluated: 2019-05-01. Review status: no assertion criteria provided. Collection method: clinical testing. Allele origin: germline.
Comment: This variant is classified as likely benign based on ACMG/AMP sequence variant interpretation guidelines (Richards et al. 2015 PMID: 25741868, with internal and published modifications).